The following is an entry in ClinVar:

NM_004859.4(CLTC):c.1178G>A (p.Arg393His)

Gene: CLTC (clathrin heavy chain; plus strand). Cytogenetic location: 17q23.1.
Variant type: single nucleotide variant.
Coding change: c.1178G>A on transcript NM_004859.4 (MANE Select); coding-DNA position 1178, G replaced by A.
Protein change: p.Arg393His; replaces arginine 393 with histidine.
Molecular consequence: missense variant.
Genome position (GRCh38, 1-based): chr17:59,661,453, G>A. VCF-style: chr17-59661453-G-A. GRCh37 (hg19) VCF-style: chr17-57738814-G-A.
Other names: c.1190G>A, p.Arg397His (NM_001288653.2); short protein forms R397H, R393H.
Identifiers: ClinVar variation 2751566 (VCV002751566.3), dbSNP rs2509378570, ClinGen allele CA400424232.

ClinVar aggregate classification (germline): Uncertain significance (1 of 4 stars; one submission).

Submission:

Labcorp Genetics (formerly Invitae), Labcorp
Classification: Uncertain significance. Last evaluated: 2023-08-10. Review status: criteria provided, single submitter. Criteria: Invitae Variant Classification Sherloc (09022015). Collection method: clinical testing. Allele origin: germline.
Comment: This variant is not present in population databases (gnomAD no frequency). This sequence change replaces arginine, which is basic and polar, with histidine, which is basic and polar, at codon 397 of the CLTC protein (p.Arg397His). This variant has not been reported in the literature in individuals affected with CLTC-related conditions. Advanced modeling of protein sequence and biophysical properties (such as structural, functional, and spatial information, amino acid conservation, physicochemical variation, residue mobility, and thermodynamic stability) performed at Invitae indicates that this missense variant is expected to disrupt CLTC protein function. In summary, the available evidence is currently insufficient to determine the role of this variant in disease. Therefore, it has been classified as a Variant of Uncertain Significance.